The following is an entry in ClinVar:

NM_000152.5(GAA):c.842G>C (p.Arg281Pro)

Gene: GAA (alpha glucosidase; plus strand). Cytogenetic location: 17q25.3.
Variant type: single nucleotide variant.
Coding change: c.842G>C on transcript NM_000152.5 (MANE Select); coding-DNA position 842, G replaced by C.
Protein change: p.Arg281Pro; replaces arginine 281 with proline.
Molecular consequence: missense variant.
Genome position (GRCh38, 1-based): chr17:80,107,706, G>C. VCF-style: chr17-80107706-G-C. GRCh37 (hg19) VCF-style: chr17-78081505-G-C.
Other names: c.842G>C, p.Arg281Pro (NM_001079803.3, NM_001079804.3, NM_001406741.1 and 1 more transcripts); short protein forms R281P.
Identifiers: ClinVar variation 4876668 (VCV004876668.1).

ClinVar aggregate classification (germline): Likely pathogenic (1 of 4 stars; one submission).

Conditions:
Glycogen storage disease, type II (IOPD). Also called: Pompe Disease; CARDIOMEGALIA GLYCOGENICA DIFFUSA; GLYCOGENOSIS, GENERALIZED, CARDIAC FORM; GSD II; POMPE DISEASE, INFANTILE-ONSET; GLYCOGEN STORAGE DISEASE II, INFANTILE-ONSET. Identifiers: Orphanet 365, MedGen C0017921, MONDO:0009290, OMIM 232300.

Submission:

Genomenon, Inc
Classification: Likely pathogenic for Glycogen storage disease, type II. Last evaluated: 2026-07-01. Review status: criteria provided, single submitter. Criteria: Genomenon Sequence Variant Interpretation Standards - Updated. Collection method: curation. Allele origin: germline. Affected: yes.
Comment: GAA p.Arg281Pro (c.842G>C) is a missense variant that changes the amino acid at codon 281 from Arginine to Proline. This variant has been observed in at least one proband with a GAA-related disorder in the compound heterozygous and/or homozygous state (PMID:36245745). The presence of pathogenic/likely pathogenic missense variant(s) at the same amino acid position indicates that this residue is likely important for protein function. It is absent or not present at a significant frequency in gnomAD. In silico models predict that this variant is possibly or probably damaging. In conclusion, we classify GAA p.Arg281Pro (c.842G>C) as a likely pathogenic variant.

Literature cited by the submitters: PubMed 36245745.